The following is an entry in ClinVar:

NM_000152.5(GAA):c.1003G>A (p.Gly335Arg)

Gene: GAA (alpha glucosidase; plus strand). Cytogenetic location: 17q25.3.
Variant type: single nucleotide variant.
Coding change: c.1003G>A on transcript NM_000152.5 (MANE Select); coding-DNA position 1003, G replaced by A.
Protein change: p.Gly335Arg; replaces glycine 335 with arginine.
Molecular consequence: missense variant.
Genome position (GRCh38, 1-based): chr17:80,108,337, G>A. VCF-style: chr17-80108337-G-A. GRCh37 (hg19) VCF-style: chr17-78082136-G-A.
Other names: NM_000152.5(GAA):c.1003G>A; p.Gly335Arg; c.1003G>A, p.Gly335Arg (NM_001079803.3, NM_001079804.3); short protein forms G335R.
Identifiers: ClinVar variation 972790 (VCV000972790.19), dbSNP rs202095215, ClinGen allele CA501005.

ClinVar aggregate classification (germline): Likely pathogenic. Review status: reviewed by expert panel (3 of 4 stars). 10 submissions from 10 submitters: Likely pathogenic (1). 9 of the submissions do not count toward it. Last evaluated 2025-06-17.

Conditions:
Glycogen storage disease, type II (IOPD). Also called: Glucosidase acid-1,4-alpha deficiency; GLYCOGENOSIS, GENERALIZED, CARDIAC FORM; GSD II; Glycogen storage disease type 2; Acid maltase deficiency disease; Aglucosidase alfa. Identifiers: Orphanet 365, MedGen C0017921, MONDO:0009290, OMIM 232300.

Allele frequency attached by ClinVar (database versions not stated): gnomAD exomes below 0.00001 and 0.00001; ExAC 0.00001.
gnomAD v4.1: 9 of 1,613,694 alleles (0.00056%); highest among the groups gnomAD compares: South Asian, 0.0011%; no homozygotes.

Submissions 1 to 8 of 10:

ClinGen Lysosomal Storage Disorder Variant Curation Expert Panel
Classification: Likely pathogenic for Glycogen storage disease, type II. Last evaluated: 2025-06-17. Review status: reviewed by expert panel. Criteria: clingen_lsd_acmg_specifications_v2-1. Collection method: curation. Allele origin: germline. Inheritance: Autosomal recessive inheritance.
Comment: The NM_000152.5:c.1003G>A variant in GAA is a missense variant predicted to cause substitution of glycine by arginine at amino acid 335 (p.Gly335Arg). At least 4 patient(s) with this variant had documented GAA deficiency with <10% of normal mean control level of GAA activity in leukocytes, lymphocytes, muscle samples or were reported to be on enzyme replacement therapy for Pompe disease (PP4_Moderate) (PMIDs 31510962, 26497565, 31193175, 24685124). One of these probands is compound heterozygous for the variant and a variant classified as pathogenic by the ClinGen LSD VCEP, c.876C>G p.Tyr292X (PMID 31510962); the variants were confirmed in trans by familial testing (PM3). The highest population minor allele frequency in gnomAD v4.1.0 for this variant is 0.000011 (1/91090) alleles) in the South Asian population, which is lower than the ClinGen Lysosomal Diseases VCEP’s threshold for PM2_Supporting (<0.001), meeting this criterion (PM2_Supporting). Expression of the variant in COS7 or HEK293 cells resulted in 0.8% GAA activity in cells and evidence of abnormal synthesis and processing on Western blot, indicating that this variant may impact protein function (PMID 22644586)(PS3_Moderate). The computational predictor REVEL gives a score of 0.919 which is above the threshold of 0.7, evidence that correlates with impact to GAA function (PP3). Another missense variant, c.1004G>A (p.Gly335Glu), in the same codon has been reported in a patient with Pompe disease (PMIDs 22644586, 32711049). This variant has been classified as likely pathogenic by the ClinGen Lysosomal Diseases VCEP. Since c.1003G>A (p.Gly335Arg) was used to apply PM5 in the classification of c.1004G>A (p.Gly335Glu), PM5 is not included here to avoid circular logic (PM5 not met). There is a ClinVar entry for this variant (Variation ID: 972790; 3 star review status) with six submitters classifying the variant as pathogenic. In summary, this variant meets the criteria to be classified as Likely Pathogenic for Pompe disease. GAA-specific ACMG/AMP criteria met, based on the specifications of the ClinGen Lysosomal Diseases VCEP (Specifications Version 2.0.0): PM3, PS3_Moderate, PP4_Moderate, PP3, PM2_Supporting. (Classification approved by the Lysosomal Diseases VCEP, June 17, 2025).

Genomenon, Inc
Classification: Likely pathogenic for Glycogen storage disease, type II. Last evaluated: 2026-07-01. Review status: criteria provided, single submitter. Criteria: Genomenon Sequence Variant Interpretation Standards - Updated. Collection method: curation. Allele origin: germline. Affected: yes. Not counted in ClinVar's aggregate classification.
Comment: GAA p.Gly335Arg (c.1003G>A) is a missense variant that changes the amino acid at codon 335 from Glycine to Arginine. This variant has been observed in at least one proband with a GAA-related disorder in the compound heterozygous and/or homozygous state (PMID:33996274;31606152;31510962;31193175;26497565;24685124). At least one functional study has demonstrated a substantial alteration in protein function relative to the wild-type (PMID:22644586). It is absent or not present at a significant frequency in gnomAD. In silico models predict that this variant is possibly or probably damaging. In conclusion, we classify GAA p.Gly335Arg (c.1003G>A) as a likely pathogenic variant.

Labcorp Genetics (formerly Invitae), Labcorp
Classification: Pathogenic for Glycogen storage disease, type II. Last evaluated: 2026-01-25. Review status: criteria provided, single submitter. Criteria: Invitae Variant Classification Sherloc (09022015). Collection method: clinical testing. Allele origin: germline. Not counted in ClinVar's aggregate classification.
Comment: This sequence change replaces glycine, which is neutral and non-polar, with arginine, which is basic and polar, at codon 335 of the GAA protein (p.Gly335Arg). This variant is present in population databases (rs202095215, gnomAD 0.003%). This missense change has been observed in individual(s) with Pompe disease (PMID: 18425781, 26497565, 31510962). ClinVar contains an entry for this variant (Variation ID: 972790). Invitae Evidence Modeling of protein sequence and biophysical properties (such as structural, functional, and spatial information, amino acid conservation, physicochemical variation, residue mobility, and thermodynamic stability) indicates that this missense variant is expected to disrupt GAA protein function with a positive predictive value of 95%. Experimental studies have shown that this missense change affects GAA function (PMID: 22644586). Algorithms developed to predict the effect of sequence changes on RNA splicing suggest that this variant may disrupt the consensus splice site. This variant disrupts the p.Gly335 amino acid residue in GAA. Other variant(s) that disrupt this residue have been determined to be pathogenic (PMID: 22644586, 32711049). This suggests that this residue is clinically significant, and that variants that disrupt this residue are likely to be disease-causing. For these reasons, this variant has been classified as Pathogenic.

Myriad Genetics, Inc.
Classification: Likely pathogenic for Glycogen storage disease, type II. Last evaluated: 2025-12-10. Review status: criteria provided, single submitter. Criteria: Myriad Autosomal Dominant, Autosomal Recessive and X-Linked Classification Criteria (2023). Collection method: clinical testing. Allele origin: unknown. Not counted in ClinVar's aggregate classification.
Comment: NM_000152.3(GAA):c.1003G>A(G335R) is a missense variant classified as likely pathogenic in the context of Pompe disease. G335R has been observed in cases with relevant disease (PMID: 31510962, 24685124, 26497565, 31606152, 18425781, 40225932, 21637107). Relevant functional assessments of this variant are available in the literature (PMID: 22644586). G335R has been observed in referenced population frequency databases. In summary, NM_000152.3(GAA):c.1003G>A(G335R) is a missense variant that has functional support for pathogenicity and has been observed more frequently in cases with the relevant disease than in healthy populations. Please note: this variant was assessed in the context of healthy population screening.

Revvity Omics, Revvity
Classification: Pathogenic. Last evaluated: 2025-02-27. Review status: criteria provided, single submitter. Criteria: ACMG Guidelines, 2015. Collection method: clinical testing. Allele origin: germline. Not counted in ClinVar's aggregate classification.

Foundation for Research in Genetics and Endocrinology, FRIGE's Institute of Human Genetics
Classification: Pathogenic for Glycogen storage disease, type II. Last evaluated: 2023-07-27. Review status: criteria provided, single submitter. Criteria: ACMG Guidelines, 2015. Collection method: clinical testing. Allele origin: germline. Inheritance: Autosomal recessive inheritance. Affected: yes. Observed: 1 homozygote. Not counted in ClinVar's aggregate classification.
Comment: A Homozygous variation in exon 6 of the GAA gene that results in the amino acid substitution of Arginine for Glycine at codon 335 was detected. The observed variant c.1003G>A (p.Gly335Arg) has not been reported in the 1000 genomes and has a MAF of 0.0004% in the gnomAD database. The in silico prediction of the variant is disease causing by PolyPhen-2, SIFT, CADD and MutationTaster. In summary, the variant meets our criteria to be classified as pathogenic

Institute of Medical Genetics and Genomics, Sir Ganga Ram Hospital
Classification: Pathogenic for Glycogen storage disease, type II. Last evaluated: 2023-07-10. Review status: criteria provided, single submitter. Criteria: ACMG Guidelines, 2015. Collection method: clinical testing. Allele origin: germline. Inheritance: Autosomal recessive inheritance. Affected: yes. Observed: 1 homozygote. Not counted in ClinVar's aggregate classification.
Comment: this variant has been found in 0.0004% gnomAD (aggregated). This has been previously reported PMID:31510962

Neuberg Centre For Genomic Medicine, NCGM
Classification: Pathogenic for Glycogen storage disease, type II. Last evaluated: 2023-06-02. Review status: criteria provided, single submitter. Criteria: ACMG Guidelines, 2015. Collection method: clinical testing. Allele origin: germline. Inheritance: Autosomal recessive inheritance. Affected: yes. Not counted in ClinVar's aggregate classification.
Comment: The missense c.1003G>A (p.Gly335Arg) variant in the GAA gene has been observed in individual(s) with Pompe disease (Kroos, Marian et al., 2008). Experimental studies have shown that this missense change affects GAA function (Kroos, Marian et al.,2012) . Other variant(s) that disrupt this residue have been determined to be pathogenic (Su, Xueying et al.,2020). This variant is reported with the allele frequency (0.0003%) in the gnomAD Exomes. It is submitted to ClinVar as Likely Pathogenic (reviwed by expert panel)/ Pathogenic. The amino acid Glycine at position 335 is changed to a Arginine changing protein sequence and it might alter its composition and physico-chemical properties. Multiple lines of computational evidence (Polyphen - Probably damaging, SIFT – Damaging and MutationTaster - Disease causing) predict a damaging effect on protein structure and function for this variant. The amino acid Glycine in GAA is predicted as conserved by GERP++ and PhyloP across 100 vertebrates. For these reasons, this variant has been classified as Pathogenic.